The following is an entry in ClinVar:

NM_000350.3(ABCA4):c.643A>G (p.Ile215Val)

Gene: ABCA4 (ATP binding cassette subfamily A member 4; minus strand). Cytogenetic location: 1p22.1.
Variant type: single nucleotide variant.
Coding change: c.643A>G on transcript NM_000350.3 (MANE Select); coding-DNA position 643, A replaced by G.
Protein change: p.Ile215Val; replaces isoleucine 215 with valine.
Molecular consequence: missense variant.
Genome position (GRCh38, 1-based): chr1:94,098,919, T>C on the plus strand (A>G on the coding strand, the complement: ABCA4 is on the minus strand). VCF-style: chr1-94098919-T-C. GRCh37 (hg19) VCF-style: chr1-94564475-T-C.
Other names: c.643A>G, p.Ile215Val (NM_001425324.1); short protein forms I215V.
Identifiers: ClinVar variation 3607050 (VCV003607050.3).

ClinVar aggregate classification (germline): Uncertain significance. Review status: criteria provided, multiple submitters, no conflicts (2 of 4 stars). 2 submissions from 2 submitters: Uncertain significance (2). Last evaluated 2024-12-18.

gnomAD v4.1: 145 of 1,613,722 alleles (0.009%); highest among the groups gnomAD compares: South Asian, 0.16%; 1 homozygote.

Submissions (2):

Labcorp Genetics (formerly Invitae), Labcorp
Classification: Uncertain significance. Last evaluated: 2024-12-18. Review status: criteria provided, single submitter. Criteria: Invitae Variant Classification Sherloc (09022015). Collection method: clinical testing. Allele origin: germline.
Comment: This sequence change replaces isoleucine, which is neutral and non-polar, with valine, which is neutral and non-polar, at codon 215 of the ABCA4 protein (p.Ile215Val). This variant is present in population databases (rs763537540, gnomAD 0.1%). This variant has not been reported in the literature in individuals affected with ABCA4-related conditions. Invitae Evidence Modeling of protein sequence and biophysical properties (such as structural, functional, and spatial information, amino acid conservation, physicochemical variation, residue mobility, and thermodynamic stability) has been performed for this missense variant. However, the output from this modeling did not meet the statistical confidence thresholds required to predict the impact of this variant on ABCA4 protein function. In summary, the available evidence is currently insufficient to determine the role of this variant in disease. Therefore, it has been classified as a Variant of Uncertain Significance.

Blueprint Genetics
Classification: Uncertain significance. Last evaluated: 2024-07-08. Review status: criteria provided, single submitter. Criteria: ACMG Guidelines, 2015. Collection method: clinical testing. Allele origin: germline.